The following is an entry in ClinVar:

NM_018136.5(ASPM):c.3683G>A (p.Gly1228Asp)

Gene: ASPM (assembly factor for spindle microtubules; minus strand). Cytogenetic location: 1q31.3.
Variant type: single nucleotide variant.
Coding change: c.3683G>A on transcript NM_018136.5 (MANE Select); coding-DNA position 3683, G replaced by A.
Protein change: p.Gly1228Asp; replaces glycine 1228 with aspartic acid.
Molecular consequence: missense variant.
Genome position (GRCh38, 1-based): chr1:197,122,217, C>T on the plus strand (G>A on the coding strand, the complement: ASPM is on the minus strand). VCF-style: chr1-197122217-C-T. GRCh37 (hg19) VCF-style: chr1-197091347-C-T.
Other names: c.3683G>A, p.Gly1228Asp (NM_001206846.2); short protein forms G1228D.
Identifiers: ClinVar variation 1029519 (VCV001029519.7), dbSNP rs867611929, ClinGen allele CA35883345.

ClinVar aggregate classification (germline): Uncertain significance. Review status: criteria provided, multiple submitters, no conflicts (2 of 4 stars). 3 submissions from 3 submitters: Uncertain significance (3). Last evaluated 2023-04-11.

Conditions:
Microcephaly 5, primary, autosomal recessive (MCPH5). Also called: ASPM Primary Microcephaly. Identifiers: Orphanet 2512, MedGen C1837501, MONDO:0012106, OMIM 608716.

Allele frequency attached by ClinVar (database versions not stated): gnomAD 0.00001; TOPMed 0.00001.
gnomAD v4.1: 11 of 1,612,662 alleles (0.00068%); highest among the groups gnomAD compares: Middle Eastern, 0.017%; no homozygotes.

Submissions (3):

Genome-Nilou Lab
Classification: Uncertain significance for Microcephaly 5, primary, autosomal recessive. Last evaluated: 2023-04-11. Review status: criteria provided, single submitter. Criteria: ACMG Guidelines, 2015. Collection method: clinical testing. Allele origin: germline. Affected: no.

Labcorp Genetics (formerly Invitae), Labcorp
Classification: Uncertain significance. Last evaluated: 2021-12-02. Review status: criteria provided, single submitter. Criteria: Invitae Variant Classification Sherloc (09022015). Collection method: clinical testing. Allele origin: germline.
Comment: In summary, the available evidence is currently insufficient to determine the role of this variant in disease. Therefore, it has been classified as a Variant of Uncertain Significance. Algorithms developed to predict the effect of missense changes on protein structure and function are either unavailable or do not agree on the potential impact of this missense change (SIFT: "Deleterious"; PolyPhen-2: "Probably Damaging"; Align-GVGD: "Class C0"). ClinVar contains an entry for this variant (Variation ID: 1029519). This variant has not been reported in the literature in individuals affected with ASPM-related conditions. This variant is not present in population databases (gnomAD no frequency). This sequence change replaces glycine, which is neutral and non-polar, with aspartic acid, which is acidic and polar, at codon 1228 of the ASPM protein (p.Gly1228Asp).

Baylor Genetics
Classification: Uncertain significance for Microcephaly 5, primary, autosomal recessive. Last evaluated: 2020-05-05. Review status: criteria provided, single submitter. Criteria: ACMG Guidelines, 2015. Collection method: clinical testing. Allele origin: unknown. Affected: yes.
Comment: This variant was determined to be of uncertain significance according to ACMG Guidelines, 2015 [PMID:25741868].